The following is an entry in ClinVar:

ClinVar aggregate classification (germline): Pathogenic (1 of 4 stars; one submission).

Conditions:
Warts, hypogammaglobulinemia, infections, and myelokathexis. Also called: WHIM syndrome. Identifiers: MedGen C0472817, MONDO:0023880.

Submission:

Labcorp Genetics (formerly Invitae), Labcorp
Classification: Pathogenic for Warts, hypogammaglobulinemia, infections, and myelokathexis. Last evaluated: 2024-03-24. Review status: criteria provided, single submitter. Criteria: Invitae Variant Classification Sherloc (09022015). Collection method: clinical testing. Allele origin: germline.
Comment: This sequence change creates a premature translational stop signal (p.Val320Glufs*23) in the CXCR4 gene. While this is not anticipated to result in nonsense mediated decay, it is expected to disrupt the last 33 amino acid(s) of the CXCR4 protein. This variant is not present in population databases (gnomAD no frequency). This premature translational stop signal has been observed in individual(s) with clinical features of autosomal dominant warts, hypogammaglobulinemia, infections, and myelokathexis syndrome (WHIMS) (Invitae). In at least one individual the variant was observed to be de novo. Algorithms developed to predict the effect of variants on protein structure and function are not available or were not evaluated for this variant. Experimental studies have shown that this premature translational stop signal affects CXCR4 function (Zmajkovicova. 2021. Blood. 138.). For these reasons, this variant has been classified as Pathogenic.

NM_003467.3(CXCR4):c.959_960del (p.Val320fs)

Gene: CXCR4 (C-X-C motif chemokine receptor 4; minus strand). Cytogenetic location: 2q22.1.
Variant type: Microsatellite.
Coding change: c.959_960del on transcript NM_003467.3 (MANE Select); coding-DNA positions 959 to 960, 2 bases deleted (TG; older notation c.959_960delTG).
Protein change: p.Val320fs; shifts the reading frame from valine 320.
Molecular consequence: frameshift variant.
Genome position (GRCh38, 1-based): chr2:136,114,968-136,114,969, CA deleted on the plus strand (TG on the coding strand, the reverse complement: CXCR4 is on the minus strand); deleting any 2 consecutive bases within chr2:136,114,968-136,114,971 gives the same sequence; the c. name uses the placement nearest the transcript's 3' end. VCF-style (leftmost placement, unchanged base first): chr2-136114967-TCA-T. GRCh37 (hg19) VCF-style: chr2-136872537-TCA-T.
Other names: c.971_972del, p.Val324fs (NM_001008540.2); c.1172_1173del, p.Val391fs (NM_001348056.2); c.1058_1059del, p.Val353fs (NM_001348059.2); c.914_915del, p.Val305fs (NM_001348060.2); short protein forms V305fs, V320fs, V324fs, V353fs, V391fs.
Identifiers: ClinVar variation 1067193 (VCV001067193.9), dbSNP rs2104915680, ClinGen allele CA645539224.